The following is an entry in ClinVar:

ClinVar aggregate classification (germline): Likely benign (0 of 4 stars; one submission).

Conditions:
SAMD11-related disorder. Also called: SAMD11-related condition.

Submission:

PreventionGenetics, part of Exact Sciences
Classification: Likely benign for SAMD11-related condition. Last evaluated: 2019-04-26. Review status: no assertion criteria provided. Collection method: clinical testing. Allele origin: germline.
Comment: This variant is classified as likely benign based on ACMG/AMP sequence variant interpretation guidelines (Richards et al. 2015 PMID: 25741868, with internal and published modifications).

NM_001385641.1(SAMD11):c.2179-6T>A

Gene: SAMD11 (sterile alpha motif domain containing 11; plus strand). Cytogenetic location: 1p36.33.
Variant type: single nucleotide variant.
Coding change: c.2179-6T>A on transcript NM_001385641.1 (MANE Select); 6 bases into the intron before coding-DNA position 2179, T replaced by A.
Molecular consequence: intron variant.
Genome position (GRCh38, 1-based): chr1:943,692, T>A. VCF-style: chr1-943692-T-A. GRCh37 (hg19) VCF-style: chr1-879072-T-A.
Other names: c.2182-6T>A (NM_001385640.1); c.1690-6T>A (NM_152486.4).
Identifiers: ClinVar variation 3039004 (VCV003039004.2), dbSNP rs2100366433, ClinGen allele CA997638231.